The following is an entry in ClinVar:

ClinVar aggregate classification (germline): Uncertain significance (1 of 4 stars; one submission).

Conditions:
GNAS-related disorder. Identifiers: MedGen CN380105.

Submission:

PreventionGenetics, part of Exact Sciences
Classification: Uncertain significance for GNAS-related condition. Last evaluated: 2026-01-13. Review status: criteria provided, single submitter. Criteria: ACMG Guidelines, 2015. Collection method: clinical testing. Allele origin: germline.
Comment: The GNAS c.58C>G variant is predicted to result in the amino acid substitution p.Pro20Ala. To our knowledge, this variant has not been reported in the literature or in a large population database (gnomAD), indicating this variant is rare. At the time of reporting this variant was not reported in ClinVar. At this time, the clinical significance of this variant is uncertain due to the absence of conclusive functional and genetic evidence.

NM_080425.4(GNAS):c.58C>G (p.Pro20Ala)

Gene: GNAS (GNAS complex locus; plus strand). Cytogenetic location: 20q13.32.
Variant type: single nucleotide variant.
Coding change: c.58C>G on transcript NM_080425.4 (MANE Plus Clinical); coding-DNA position 58, C replaced by G.
Protein change: p.Pro20Ala; replaces proline 20 with alanine.
Molecular consequence: missense variant. On other transcripts: intron variant (3), 5 prime UTR variant (2).
Genome position (GRCh38, 1-based): chr20:58,853,323, C>G. VCF-style: chr20-58853323-C-G. GRCh37 (hg19) VCF-style: chr20-57428378-C-G.
Other names: c.-39+11448C>G (NM_001309861.2); c.-130C>G (NM_001077490.3, NM_001309883.1); c.58C>G, p.Pro20Ala (NM_001410913.1); c.*42+12437C>G (NM_016592.5); c.43+12437C>G (NM_001410912.1); short protein forms P20A.
Identifiers: ClinVar variation 4996166 (VCV004996166.1).